The following is an entry in ClinVar:

ClinVar aggregate classification (germline): Uncertain significance (1 of 4 stars; one submission).

Conditions:
Weiss-Kruszka syndrome. Also called: Metopic ridging-ptosis-facial dysmorphism syndrome. Identifiers: Orphanet 502430, MedGen C5568107, MONDO:0032836, OMIM 618619.

Allele frequency attached by ClinVar (database versions not stated): gnomAD exomes below 0.00001; TOPMed below 0.00001.
gnomAD v4.1: 1 of 1,614,132 alleles (0.000062%); highest among the groups gnomAD compares: Non-Finnish European, 0.000085%; no homozygotes.

Submission:

Broad Center for Mendelian Genomics, Broad Institute of MIT and Harvard
Classification: Uncertain significance for Weiss-Kruszka syndrome. Last evaluated: 2024-03-12. Review status: criteria provided, single submitter. Criteria: ACMG Guidelines, 2015. Collection method: curation. Allele origin: germline. Inheritance: Autosomal dominant inheritance.
Comment: The p.Arg1924His variant in ZNF462 has not been previously reported in individuals with syndromic congenital ptosis. This variant is absent from large population studies. The number of missense variants reported in ZNF462 in the general population is lower than expected, suggesting there is little benign variation in this gene and slightly increasing the possibility that a missense variant in this gene may not be tolerated. In summary, the clinical significance of the p.Arg1924His variant is uncertain. ACMG/AMP Criteria applied: PP2, PM2_supporting, PM6_supporting (Richards 2015).

Literature cited by the submitters: PubMed 39033378.

NM_021224.6(ZNF462):c.5771G>A (p.Arg1924His)

Gene: ZNF462 (zinc finger protein 462; plus strand). Cytogenetic location: 9q31.2.
Variant type: single nucleotide variant.
Coding change: c.5771G>A on transcript NM_021224.6 (MANE Select); coding-DNA position 5771, G replaced by A.
Protein change: p.Arg1924His; replaces arginine 1924 with histidine.
Molecular consequence: missense variant. On other transcripts: intron variant (1).
Genome position (GRCh38, 1-based): chr9:106,929,683, G>A. VCF-style: chr9-106929683-G-A. GRCh37 (hg19) VCF-style: chr9-109691964-G-A.
Other names: NM_001347997.2:c.3253-842G>A; c.3253-842G>A (NM_001347997.2); short protein forms R1924H.
Identifiers: ClinVar variation 3061820 (VCV003061820.1), dbSNP rs751050786, ClinGen allele CA197492749.